The following is an entry in ClinVar:

ClinVar aggregate classification (germline): Uncertain significance (1 of 4 stars; one submission).

gnomAD v4.1: 1 of 1,614,084 alleles (0.000062%); highest among the groups gnomAD compares: East Asian, 0.0022%; no homozygotes.

Submission:

Labcorp Genetics (formerly Invitae), Labcorp
Classification: Uncertain significance. Last evaluated: 2024-03-22. Review status: criteria provided, single submitter. Criteria: Invitae Variant Classification Sherloc (09022015). Collection method: clinical testing. Allele origin: germline.
Comment: This sequence change replaces glutamic acid, which is acidic and polar, with lysine, which is basic and polar, at codon 450 of the KRT9 protein (p.Glu450Lys). This variant is not present in population databases (gnomAD no frequency). This variant has not been reported in the literature in individuals affected with KRT9-related conditions. Advanced modeling of protein sequence and biophysical properties (such as structural, functional, and spatial information, amino acid conservation, physicochemical variation, residue mobility, and thermodynamic stability) performed at Invitae indicates that this missense variant is expected to disrupt KRT9 protein function with a positive predictive value of 80%. In summary, the available evidence is currently insufficient to determine the role of this variant in disease. Therefore, it has been classified as a Variant of Uncertain Significance.

NM_000226.4(KRT9):c.1348G>A (p.Glu450Lys)

Gene: KRT9 (keratin 9; minus strand). Cytogenetic location: 17q21.2.
Variant type: single nucleotide variant.
Coding change: c.1348G>A on transcript NM_000226.4 (MANE Select); coding-DNA position 1348, G replaced by A.
Protein change: p.Glu450Lys; replaces glutamic acid 450 with lysine.
Molecular consequence: missense variant.
Genome position (GRCh38, 1-based): chr17:41,568,208, C>T on the plus strand (G>A on the coding strand, the complement: KRT9 is on the minus strand). VCF-style: chr17-41568208-C-T. GRCh37 (hg19) VCF-style: chr17-39724460-C-T.
Other names: short protein forms E450K.
Identifiers: ClinVar variation 3647301 (VCV003647301.2).